The following is an entry in ClinVar:

ClinVar aggregate classification (germline): Uncertain significance (1 of 4 stars; one submission).

Conditions:
Breast-ovarian cancer, familial, susceptibility to, 4. Identifiers: Orphanet 145, MedGen C3280345, MONDO:0013669, OMIM 614291.

Allele frequency attached by ClinVar (database versions not stated): gnomAD exomes below 0.00001; ExAC 0.00001.
gnomAD v4.1: 1 of 1,613,328 alleles (0.000062%); highest among the groups gnomAD compares: South Asian, 0.0011%; no homozygotes.

Submission:

Labcorp Genetics (formerly Invitae), Labcorp
Classification: Uncertain significance for Breast-ovarian cancer, familial, susceptibility to, 4. Last evaluated: 2020-03-10. Review status: criteria provided, single submitter. Criteria: Invitae Variant Classification Sherloc (09022015). Collection method: clinical testing. Allele origin: germline.
Comment: This sequence change replaces serine with isoleucine at codon 88 of the RAD51D protein (p.Ser88Ile). The serine residue is moderately conserved and there is a large physicochemical difference between serine and isoleucine. This variant also falls at the last nucleotide of exon 3 of the RAD51D coding sequence, which is part of the consensus splice site for this exon. This variant is present in population databases (rs757467813, ExAC 0.006%). This variant has not been reported in the literature in individuals with RAD51D-related disease. Algorithms developed to predict the effect of missense changes on protein structure and function are either unavailable or do not agree on the potential impact of this missense change (SIFT: "Deleterious"; PolyPhen-2: "Probably Damaging"; Align-GVGD: "Class C0"). Nucleotide substitutions within the consensus splice site are a relatively common cause of aberrant splicing (PMID: 17576681, 9536098). Algorithms developed to predict the effect of sequence changes on RNA splicing suggest that this variant may disrupt the consensus splice site, but this prediction has not been confirmed by published transcriptional studies. In summary, the available evidence is currently insufficient to determine the role of this variant in disease. Therefore, it has been classified as a Variant of Uncertain Significance.

Literature cited by the submitters: PubMed 17576681; PubMed 9536098.

NM_002878.4(RAD51D):c.263G>T (p.Ser88Ile)

Genes: RAD51L3-RFFL (RAD51L3-RFFL readthrough; minus strand), RAD51D (RAD51 paralog D; minus strand). Cytogenetic location: 17q12.
Variant type: single nucleotide variant.
Coding change: c.263G>T on transcript NM_002878.4 (MANE Select); coding-DNA position 263, G replaced by T.
Protein change: p.Ser88Ile; replaces serine 88 with isoleucine.
Molecular consequence: missense variant. On other transcripts: intron variant (2).
Genome position (GRCh38, 1-based): chr17:35,118,501, C>A on the plus strand (G>T on the coding strand, the complement: RAD51D is on the minus strand). VCF-style: chr17-35118501-C-A. GRCh37 (hg19) VCF-style: chr17-33445520-C-A.
Other names: c.144+610G>T (NM_133629.3, NM_001142571.2); short protein forms S88I.
Identifiers: ClinVar variation 663165 (VCV000663165.8), dbSNP rs757467813, ClinGen allele CA8499618.